The following is an entry in ClinVar:

ClinVar aggregate classification (germline): Likely benign (1 of 4 stars; one submission).

Submission:

CeGaT Center for Human Genetics Tuebingen
Classification: Likely benign. Last evaluated: 2025-07-01. Review status: criteria provided, single submitter. Criteria: CeGaT Center For Human Genetics Tuebingen Variant Classification Criteria Version 2. Collection method: clinical testing. Allele origin: germline. Affected: yes. Observed: 1 variant allele.
Comment: PDE4C: PM2:Supporting, BP4, BP7

NM_001098818.4(PDE4C):c.1431C>G (p.Ala477=)

Gene: PDE4C (phosphodiesterase 4C; minus strand). Cytogenetic location: 19p13.11.
Variant type: single nucleotide variant.
Coding change: c.1431C>G on transcript NM_001098818.4 (MANE Select); coding-DNA position 1431, C replaced by G.
Protein change: p.Ala477=; no amino-acid change (alanine 477 retained).
Molecular consequence: synonymous variant.
Genome position (GRCh38, 1-based): chr19:18,213,449, G>C on the plus strand (C>G on the coding strand, the complement: PDE4C is on the minus strand). VCF-style: chr19-18213449-G-C. GRCh37 (hg19) VCF-style: chr19-18324259-G-C.
Other names: c.1527C>G, p.Ala509= (NM_000923.6, NM_001330172.2, NM_001414480.1); c.1209C>G, p.Ala403= (NM_001098819.4, NM_001395274.1); c.834C>G, p.Ala278= (NM_001369701.2).
Identifiers: ClinVar variation 4085364 (VCV004085364.8).
Genomic context (GRCh38, chr19:18,213,449, plus strand): 5'-GTCCAGGAGGAGGACACCGAGGCTTGTCACCTTCTTGGTCTCCACCATGGTCTTGAGGTC[G>C]GCCAGGAGGTTCATGTGTTTGGACATGTCTGTGGCCAGCACCTGGGGGCAGGCAAGGGAA-3'
Protein context (NP_001092288.1, residues 467-487): TDMSKHMNLL[Ala477=]DLKTMVETKK